The following is an entry in ClinVar:

NM_000843.4(GRM6):c.1749C>T (p.Ser583=)

Genes: GRM6 (glutamate metabotropic receptor 6; minus strand), ZNF454 (zinc finger protein 454; plus strand). Cytogenetic location: 5q35.3.
Variant type: single nucleotide variant.
Coding change: c.1749C>T on transcript NM_000843.4 (MANE Select); coding-DNA position 1749, C replaced by T.
Protein change: p.Ser583=; no amino-acid change (serine 583 retained).
Molecular consequence: synonymous variant.
Genome position (GRCh38, 1-based): chr5:178,986,505, G>A on the plus strand (C>T on the coding strand, the complement: GRM6 is on the minus strand). VCF-style: chr5-178986505-G-A. GRCh37 (hg19) VCF-style: chr5-178413506-G-A.
Identifiers: ClinVar variation 1901424 (VCV001901424.18), dbSNP rs747179681, ClinGen allele CA3593942.

ClinVar aggregate classification (germline): Likely benign. Review status: criteria provided, multiple submitters, no conflicts (2 of 4 stars). 2 submissions from 2 submitters: Likely benign (2). Last evaluated 2024-12-01.

Allele frequency attached by ClinVar (database versions not stated): TOPMed below 0.00001; gnomAD 0.00001; ExAC 0.00002.
gnomAD v4.1: 4 of 1,609,518 alleles (0.00025%); highest among the groups gnomAD compares: East Asian, 0.0045%; no homozygotes.

Submissions (2):

CeGaT Center for Human Genetics Tuebingen
Classification: Likely benign. Last evaluated: 2024-12-01. Review status: criteria provided, single submitter. Criteria: CeGaT Center For Human Genetics Tuebingen Variant Classification Criteria Version 2. Collection method: clinical testing. Allele origin: germline. Affected: yes. Observed: 1 variant allele.
Comment: GRM6: BP4, BP7

Labcorp Genetics (formerly Invitae), Labcorp
Classification: Likely benign. Last evaluated: 2022-03-04. Review status: criteria provided, single submitter. Criteria: Invitae Variant Classification Sherloc (09022015). Collection method: clinical testing. Allele origin: germline.